The following is an entry in ClinVar:

ClinVar aggregate classification (germline): no classifications from unflagged records (0 of 4 stars; one submission).

Conditions:
Neuronopathy, distal hereditary motor, type 9. Also called: NEURONOPATHY, DISTAL HEREDITARY MOTOR, TYPE IX; NEUROPATHY, DISTAL HEREDITARY MOTOR, TYPE IX; NEURONOPATHY, DISTAL HEREDITARY MOTOR, AUTOSOMAL DOMINANT 9. Identifiers: MedGen C4540265, MONDO:0060585, OMIM 617721.

Submission:

OMIM
Classification: Pathogenic for NEURONOPATHY, DISTAL HEREDITARY MOTOR, AUTOSOMAL DOMINANT 9. Last evaluated: 2023-10-17. Review status: flagged submission. Collection method: literature only. Allele origin: germline.
ClinVar note: Notes: Flagging candidate with reason of insufficient supporting evidence. This gene has been classified as having a limited gene-disease relationship by a ClinGen Expert Panel.
ClinVar note: Reason: Other

Literature cited by the submitters: PubMed 31069783.

NM_004184.4(WARS1):c.941A>G (p.Asp314Gly)

Gene: WARS1 (tryptophanyl-tRNA synthetase 1; minus strand). Cytogenetic location: 14q32.2.
Variant type: single nucleotide variant.
Coding change: c.941A>G on transcript NM_004184.4 (MANE Select); coding-DNA position 941, A replaced by G.
Protein change: p.Asp314Gly; replaces aspartic acid 314 with glycine.
Molecular consequence: missense variant.
Genome position (GRCh38, 1-based): chr14:100,342,570, T>C on the plus strand (A>G on the coding strand, the complement: WARS1 is on the minus strand). VCF-style: chr14-100342570-T-C. GRCh37 (hg19) VCF-style: chr14-100808907-T-C.
Other names: c.941A>G, p.Asp314Gly (NM_173701.2); c.818A>G, p.Asp273Gly (NM_213645.2, NM_213646.2); short protein forms D314G, D273G.
Identifiers: ClinVar variation 975157 (VCV000975157.2), dbSNP rs1894240526, ClinGen allele CA390979983.